The following is an entry in ClinVar:

NM_000548.5(TSC2):c.406del (p.Leu136fs)

Gene: TSC2 (TSC complex subunit 2; plus strand). Cytogenetic location: 16p13.3.
Variant type: Deletion.
Coding change: c.406del on transcript NM_000548.5 (MANE Select); coding-DNA position 406, one base deleted (C; older notation c.406delC).
Protein change: p.Leu136fs; shifts the reading frame from leucine 136.
Molecular consequence: frameshift variant. On other transcripts: 5 prime UTR variant (14), non-coding transcript variant (5), intron variant (6).
Genome position (GRCh38, 1-based): chr16:2,054,365, C deleted; the last of 2 consecutive C bases (chr16:2,054,364-2,054,365); deleting either gives the same sequence. VCF-style (leftmost placement, unchanged base first): chr16-2054363-AC-A. GRCh37 (hg19) VCF-style: chr16-2104364-AC-A.
Other names: c.406del, p.Leu136fs (NM_001077183.3, NM_001114382.3, NM_001363528.2 and 8 more transcripts); c.295del, p.Leu99fs (NM_001318827.2, NM_001406670.1, NM_001406678.1); c.259del, p.Leu87fs (NM_001318829.2, NM_001406675.1, NM_001406676.1 and 1 more transcripts); c.439del, p.Leu147fs (NM_001318832.2); c.496del, p.Leu166fs (NM_001406667.1, NM_001406668.1); c.-411del (NM_001406687.1, NM_001406680.1, NM_001406683.1); c.-1026del (NM_001406689.1, NM_001406690.1, NM_001406691.1 and 2 more transcripts); c.-1242del (NM_001406693.1); and 6 more; short protein forms L117fs, L166fs, L136fs, L147fs, L87fs, L99fs.
Identifiers: ClinVar variation 4192179 (VCV004192179.1).

ClinVar aggregate classification (germline): Pathogenic (1 of 4 stars; one submission).

Conditions:
Hereditary cancer-predisposing syndrome. Also called: Neoplastic Syndromes, Hereditary; Tumor predisposition; Hereditary Cancer Syndrome; Hereditary neoplastic syndrome. Identifiers: Orphanet 140162, MedGen C0027672, MeSH D009386, MONDO:0015356.

Submission:

Ambry Genetics
Classification: Pathogenic for Hereditary cancer-predisposing syndrome. Last evaluated: 2025-09-03. Review status: criteria provided, single submitter. Criteria: Ambry Variant Classification Scheme 2023. Collection method: clinical testing. Allele origin: germline.
Comment: The c.406delC pathogenic mutation, located in coding exon 4 of the TSC2 gene, results from a deletion of one nucleotide at nucleotide position 406, causing a translational frameshift with a predicted alternate stop codon (p.L136Ffs*46). This variant was reported in individual(s) with features consistent with tuberous sclerosis complex (Ambry internal data). This variant is considered to be rare based on population cohorts in the Genome Aggregation Database (gnomAD). This alteration is expected to result in loss of function by premature protein truncation or nonsense-mediated mRNA decay. As such, this alteration is interpreted as a disease-causing mutation.